The following is an entry in ClinVar:

NM_000548.5(TSC2):c.2838-123C>T

Gene: TSC2 (TSC complex subunit 2; plus strand). Cytogenetic location: 16p13.3.
Variant type: single nucleotide variant.
Coding change: c.2838-123C>T on transcript NM_000548.5 (MANE Select); 123 bases into the intron before coding-DNA position 2838, C replaced by T.
Molecular consequence: intron variant.
Genome position (GRCh38, 1-based): chr16:2,077,475, C>T. VCF-style: chr16-2077475-C-T. GRCh37 (hg19) VCF-style: chr16-2127476-C-T.
Other names: c.2238-123C>T (NM_001406683.1, NM_001406682.1, NM_001406684.1 and 1 more transcripts); c.2237+890C>T (NM_001406687.1, NM_001406685.1, NM_001318831.2 and 2 more transcripts); c.1494-123C>T (NM_001406689.1); c.1493+890C>T (NM_001406690.1, NM_001406692.1, NM_001406691.1 and 5 more transcripts); c.1235+890C>T (NM_001406698.1); c.2838-123C>T (NM_001114382.3, NM_001406663.1, NM_001406664.1 and 1 more transcripts); c.2837+890C>T (NM_021055.3, NM_001370405.1, NM_001363528.2 and 3 more transcripts); c.2825+890C>T (NM_001406671.1, NM_001406673.1); and 8 more.
Identifiers: ClinVar variation 3070573 (VCV003070573.4), dbSNP rs922114187, ClinGen allele CA276743787.
Genomic context (GRCh38, chr16:2,077,475, plus strand): 5'-TTTTCTGTCTCTTCCCCGCTAACTGCCCTTTGGCATGGCTCTTTTTGCTCATCTCACCCG[C>T]GGGATCTCTCCATCCTGACCCTGTGGCCTGGGACCTTTCCTCCTCACCCCTCCACTGGCT-3'

ClinVar aggregate classification (germline): Likely benign. Review status: criteria provided, multiple submitters, no conflicts (2 of 4 stars). 3 submissions from 3 submitters: Likely benign (3). Last evaluated 2025-02-09.

Conditions:
TSC2-related disorder. Also called: TSC2-Related Disorders; TSC2-related condition.
Tuberous sclerosis syndrome (TSC). Also called: Tuberous Sclerosis Complex; Tuberous sclerosis. Identifiers: Orphanet 805, MedGen C0041341, MONDO:0001734.

Allele frequency attached by ClinVar (database versions not stated): gnomAD 0.00003; TOPMed 0.00003.
gnomAD v4.1: 38 of 1,460,624 alleles (0.0026%); highest among the groups gnomAD compares: Middle Eastern, 0.024%; no homozygotes.

Submissions (3):

PreventionGenetics, part of Exact Sciences
Classification: Likely benign for TSC2-related condition. Last evaluated: 2025-02-09. Review status: criteria provided, single submitter. Criteria: ACMG Guidelines, 2015. Collection method: clinical testing. Allele origin: germline.
Comment: This variant is classified as likely benign based on ACMG/AMP sequence variant interpretation guidelines (Richards et al. 2015 PMID: 25741868, with internal and published modifications).

All of Us Research Program, National Institutes of Health
Classification: Likely benign for Tuberous sclerosis syndrome. Last evaluated: 2024-09-23. Review status: criteria provided, single submitter. Criteria: ACMG Guidelines, 2015. Collection method: clinical testing. Allele origin: germline. Inheritance: Autosomal dominant inheritance. Observed: 3 variant alleles, 3 heterozygotes.
Comment: This study involves interpretation of variants in research participants for the purpose of population health screening. Participant phenotype was not available at the time of variant classification. Additional details can be found in publication PMID: 35346344, PMCID: PMC8962531

Color Diagnostics, LLC DBA Color Health
Classification: Likely benign for Tuberous sclerosis syndrome. Last evaluated: 2023-04-19. Review status: criteria provided, single submitter. Criteria: ACMG Guidelines, 2015. Collection method: clinical testing. Allele origin: germline.